The following is an entry in ClinVar:

NM_173660.5(DOK7):c.1406C>A (p.Pro469His)

Gene: DOK7 (docking protein 7; plus strand). Cytogenetic location: 4p16.3.
Variant type: single nucleotide variant.
Coding change: c.1406C>A on transcript NM_173660.5 (MANE Select); coding-DNA position 1406, C replaced by A.
Protein change: p.Pro469His; replaces proline 469 with histidine.
Molecular consequence: missense variant. On other transcripts: 3 prime UTR variant (1).
Genome position (GRCh38, 1-based): chr4:3,493,392, C>A. VCF-style: chr4-3493392-C-A. GRCh37 (hg19) VCF-style: chr4-3495119-C-A.
Other names: c.*627C>A (NM_001164673.2); c.476C>A, p.Pro159His (NM_001256896.2); c.1406C>A, p.Pro469His (NM_001301071.2); c.974C>A, p.Pro325His (NM_001363811.2); short protein forms P469H, P325H, P159H.
Identifiers: ClinVar variation 534127 (VCV000534127.15), dbSNP rs147185207, ClinGen allele CA2829507.

ClinVar aggregate classification (germline): Conflicting classifications of pathogenicity. Review status: criteria provided, conflicting classifications (1 of 4 stars). 3 submissions from 3 submitters: Uncertain significance (1); Likely benign (1). 1 of the submissions does not count toward it. Last evaluated 2026-02-01.

Conditions:
Fetal akinesia deformation sequence 1 (FADS1). Also called: Fetal akinesia sequence; Pena-Shokeir syndrome type I. Identifiers: Orphanet 994, MedGen C1276035, MONDO:0100101, OMIM 208150, HP:0001989.
Congenital myasthenic syndrome 10. Also called: Myasthenia, limb-girdle, familial. Identifiers: Orphanet 590, MedGen C1850792, MONDO:0009690, OMIM 254300.
DOK7-related disorder. Also called: DOK7-related condition.

Allele frequency attached by ClinVar (database versions not stated): gnomAD 0.00011 and 0.00023; TOPMed 0.00017; gnomAD exomes 0.00036; ExAC 0.00052; 1000 Genomes Project 30x 0.00125; 1000 Genomes Project 0.00160.
gnomAD v4.1: 263 of 1,594,708 alleles (0.016%); highest among the groups gnomAD compares: East Asian, 0.38%; 5 homozygotes.

Submissions (3):

Labcorp Genetics (formerly Invitae), Labcorp
Classification: Likely benign for Congenital myasthenic syndrome 10; Fetal akinesia deformation sequence 1. Last evaluated: 2026-02-01. Review status: criteria provided, single submitter. Criteria: Invitae Variant Classification Sherloc (09022015). Collection method: clinical testing. Allele origin: germline.

Revvity Omics, Revvity
Classification: Uncertain significance. Last evaluated: 2025-04-14. Review status: criteria provided, single submitter. Criteria: ACMG Guidelines, 2015. Collection method: clinical testing. Allele origin: germline.

PreventionGenetics, part of Exact Sciences
Classification: Uncertain significance for DOK7-related condition. Last evaluated: 2024-03-05. Review status: no assertion criteria provided. Collection method: clinical testing. Allele origin: germline. Not counted in ClinVar's aggregate classification.
Comment: The DOK7 c.1406C>A variant is predicted to result in the amino acid substitution p.Pro469His. This variant was reported in trans with another missense variant in an individual with congenital myasthenic syndrome (Muller et al. 2007. PubMed ID: 17439981). This variant is reported in 0.40% of alleles in individuals of East Asian descent in gnomAD. At this time, the clinical significance of this variant is uncertain due to the absence of conclusive functional and genetic evidence.